The following is an entry in ClinVar:

ClinVar aggregate classification (germline): Uncertain significance (1 of 4 stars; one submission).

Allele frequency attached by ClinVar (database versions not stated): gnomAD 0.00001; gnomAD exomes 0.00001.

Submission:

GeneDx
Classification: Uncertain significance. Last evaluated: 2024-05-26. Review status: criteria provided, single submitter. Criteria: GeneDx Variant Classification Process June 2021. Collection method: clinical testing. Allele origin: germline. Affected: yes.
Comment: Not observed at significant frequency in large population cohorts (gnomAD); In silico analysis supports that this missense variant has a deleterious effect on protein structure/function; Has not been previously published as pathogenic or benign to our knowledge

NM_018896.5(CACNA1G):c.6923C>T (p.Pro2308Leu)

Gene: CACNA1G (calcium voltage-gated channel subunit alpha1 G; plus strand). Cytogenetic location: 17q21.33.
Variant type: single nucleotide variant.
Coding change: c.6923C>T on transcript NM_018896.5 (MANE Select); coding-DNA position 6923, C replaced by T.
Protein change: p.Pro2308Leu; replaces proline 2308 with leucine.
Molecular consequence: missense variant. On other transcripts: non-coding transcript variant (5).
Genome position (GRCh38, 1-based): chr17:50,626,540, C>T. VCF-style: chr17-50626540-C-T. GRCh37 (hg19) VCF-style: chr17-48703901-C-T.
Other names: c.6734C>T, p.Pro2245Leu (NM_001256324.2); c.6665C>T, p.Pro2222Leu (NM_001256325.2); c.6653C>T, p.Pro2218Leu (NM_001256326.2); c.6623C>T, p.Pro2208Leu (NM_001256327.2); c.6569C>T, p.Pro2190Leu (NM_001256328.2); c.6542C>T, p.Pro2181Leu (NM_001256329.2, NM_198387.3); c.6509C>T, p.Pro2170Leu (NM_001256330.2); c.6488C>T, p.Pro2163Leu (NM_001256331.2); and 18 more; short protein forms P2102L, P2125L, P2136L, P2158L, P2163L, P2170L, P2174L, P2177L.
Identifiers: ClinVar variation 1810157 (VCV001810157.2), dbSNP rs1216824387, ClinGen allele CA400239862.
Genomic context (GRCh38, chr17:50,626,540, plus strand): 5'-CTAACCTTGGGGGCCAGCCTCTTGGGGGGCCTGGGAGCCGGCCCAAGAAAAAACTCAGCC[C>T]GCCTAGTATCACCATAGACCCCCCCGAGAGCCAAGGTCCTCGGACCCCGCCCAGCCCTGG-3'
Protein context (NP_061496.2, residues 2298-2318): PGSRPKKKLS[Pro2308Leu]PSITIDPPES